The following is an entry in ClinVar:

NM_198291.3(SRC):c.1143G>A (p.Glu381=)

Gene: SRC (SRC proto-oncogene, non-receptor tyrosine kinase; plus strand). Cytogenetic location: 20q11.23.
Variant type: single nucleotide variant.
Coding change: c.1143G>A on transcript NM_198291.3 (MANE Select); coding-DNA position 1143, G replaced by A.
Protein change: p.Glu381=; no amino-acid change (glutamic acid 381 retained).
Molecular consequence: synonymous variant.
Genome position (GRCh38, 1-based): chr20:37,402,461, G>A. VCF-style: chr20-37402461-G-A. GRCh37 (hg19) VCF-style: chr20-36030864-G-A.
Other names: c.1143G>A, p.Glu381= (NM_005417.5).
Identifiers: ClinVar variation 742883 (VCV000742883.4), dbSNP rs756352185, ClinGen allele CA9847989.

ClinVar aggregate classification (germline): Likely benign. Review status: criteria provided, multiple submitters, no conflicts (2 of 4 stars). 2 submissions from 2 submitters: Likely benign (2). Last evaluated 2026-03-20.

Conditions:
SRC-related disorder. Also called: SRC-related condition.

Allele frequency attached by ClinVar (database versions not stated): gnomAD 0.00002; gnomAD exomes 0.00003 and 0.00014; TOPMed 0.00006; ExAC 0.00009.
gnomAD v4.1: 43 of 1,613,820 alleles (0.0027%); highest among the groups gnomAD compares: Admixed American, 0.07%; no homozygotes.

Submissions (2):

PreventionGenetics, part of Exact Sciences
Classification: Likely benign for SRC-related condition. Last evaluated: 2026-03-20. Review status: criteria provided, single submitter. Criteria: ACMG Guidelines, 2015. Collection method: clinical testing. Allele origin: germline.
Comment: This variant is classified as likely benign based on ACMG/AMP sequence variant interpretation guidelines (Richards et al. 2015 PMID: 25741868, with internal and published modifications).

Labcorp Genetics (formerly Invitae), Labcorp
Classification: Likely benign. Last evaluated: 2018-04-12. Review status: criteria provided, single submitter. Criteria: Invitae Variant Classification Sherloc (09022015). Collection method: clinical testing. Allele origin: germline.